The following is an entry in ClinVar:

ClinVar aggregate classification (germline): Uncertain significance (1 of 4 stars; one submission).

Allele frequency attached by ClinVar (database versions not stated): gnomAD exomes 0.00001; ExAC 0.00001; gnomAD 0.00001.
gnomAD v4.1: 10 of 1,613,876 alleles (0.00062%); highest among the groups gnomAD compares: South Asian, 0.0044%; no homozygotes.

Submission:

Labcorp Genetics (formerly Invitae), Labcorp
Classification: Uncertain significance. Last evaluated: 2022-07-12. Review status: criteria provided, single submitter. Criteria: Invitae Variant Classification Sherloc (09022015). Collection method: clinical testing. Allele origin: germline.
Comment: This sequence change replaces valine, which is neutral and non-polar, with methionine, which is neutral and non-polar, at codon 398 of the ADGRG1 protein (p.Val398Met). This variant is present in population databases (rs763184108, gnomAD 0.003%). This variant has not been reported in the literature in individuals affected with ADGRG1-related conditions. ClinVar contains an entry for this variant (Variation ID: 1362625). Advanced modeling of protein sequence and biophysical properties (such as structural, functional, and spatial information, amino acid conservation, physicochemical variation, residue mobility, and thermodynamic stability) performed at Invitae indicates that this missense variant is not expected to disrupt ADGRG1 protein function. In summary, the available evidence is currently insufficient to determine the role of this variant in disease. Therefore, it has been classified as a Variant of Uncertain Significance.

NM_201525.4(ADGRG1):c.1192G>A (p.Val398Met)

Gene: ADGRG1 (adhesion G protein-coupled receptor G1; plus strand). Cytogenetic location: 16q21.
Variant type: single nucleotide variant.
Coding change: c.1192G>A on transcript NM_201525.4 (MANE Select); coding-DNA position 1192, G replaced by A.
Protein change: p.Val398Met; replaces valine 398 with methionine.
Molecular consequence: missense variant.
Genome position (GRCh38, 1-based): chr16:57,657,397, G>A. VCF-style: chr16-57657397-G-A. GRCh37 (hg19) VCF-style: chr16-57691309-G-A.
Other names: c.1192G>A, p.Val398Met (NM_001145770.3, NM_001145771.3, NM_001145772.3 and 14 more transcripts); c.1207G>A, p.Val403Met (NM_001145773.3, NM_001370433.1); c.682G>A, p.Val228Met (NM_001290142.2); c.667G>A, p.Val223Met (NM_001290143.2, NM_001290144.2, NM_001370451.1 and 2 more transcripts); c.1189G>A, p.Val397Met (NM_001370434.1, NM_001370441.1); c.1036G>A, p.Val346Met (NM_001370442.1); short protein forms V346M, V397M, V403M, V223M, V398M, V228M.
Identifiers: ClinVar variation 1362625 (VCV001362625.5), dbSNP rs763184108, ClinGen allele CA8078684.